The following is an entry in ClinVar:

ClinVar aggregate classification (germline): Uncertain significance. Review status: criteria provided, multiple submitters, no conflicts (2 of 4 stars). 3 submissions from 3 submitters: Uncertain significance (3). Last evaluated 2025-09-25.

Conditions:
Brugada syndrome. Also called: Sudden unexplained nocturnal death syndrome; Sudden Unexplained Death Syndrome; Sudden Unexplained Nocturnal Death Syndrome (SUNDS); Sudden unexpected nocturnal death syndrome. Identifiers: Orphanet 130, MedGen C1142166, MONDO:0015263.
Cardiovascular phenotype. Identifiers: MedGen CN230736.
Episodic pain syndrome, familial, 2 (FEPS2). Identifiers: Orphanet 306577, MedGen C3809893, MONDO:0014246, OMIM 615551.

Allele frequency attached by ClinVar (database versions not stated): gnomAD exomes below 0.00001; TOPMed below 0.00001; ExAC 0.00001; gnomAD 0.00001.
gnomAD v4.1: 2 of 1,611,532 alleles (0.00012%); highest among the groups gnomAD compares: Admixed American, 0.0033%; no homozygotes.

Submissions (3):

Ambry Genetics
Classification: Uncertain significance for Cardiovascular phenotype. Last evaluated: 2025-09-25. Review status: criteria provided, single submitter. Criteria: Ambry Variant Classification Scheme 2023. Collection method: clinical testing. Allele origin: germline.
Comment: The p.Q975* variant (also known as c.2923C>T), located in coding exon 16 of the SCN10A gene, results from a C to T substitution at nucleotide position 2923. This changes the amino acid from a glutamine to a stop codon within coding exon 16. This alteration is expected to result in protein truncation or nonsense-mediated mRNA decay. However, loss of function has not been established as a mechanism of disease. The evidence for this gene-disease relationship is limited; therefore, the clinical significance of this alteration is unclear.

Labcorp Genetics (formerly Invitae), Labcorp
Classification: Uncertain significance for Brugada syndrome. Last evaluated: 2023-09-11. Review status: criteria provided, single submitter. Criteria: Invitae Variant Classification Sherloc (09022015). Collection method: clinical testing. Allele origin: germline.
Comment: This variant is present in population databases (rs755553717, gnomAD 0.003%). This variant has not been reported in the literature in individuals affected with SCN10A-related conditions. ClinVar contains an entry for this variant (Variation ID: 1384809). In summary, the available evidence is currently insufficient to determine the role of this variant in disease. Therefore, it has been classified as a Variant of Uncertain Significance. This sequence change creates a premature translational stop signal (p.Gln975*) in the SCN10A gene. It is expected to result in an absent or disrupted protein product. However, the current clinical and genetic evidence is not sufficient to establish whether loss-of-function variants in SCN10A cause disease.

Fulgent Genetics
Classification: Uncertain significance for Episodic pain syndrome, familial, 2. Last evaluated: 2021-08-02. Review status: criteria provided, single submitter. Criteria: ACMG Guidelines, 2015. Collection method: clinical testing. Allele origin: unknown.

NM_006514.4(SCN10A):c.2923C>T (p.Gln975Ter)

Genes: SCN10A (sodium voltage-gated channel alpha subunit 10; minus strand), LOC110121288 (VISTA enhancer hs2268; plus strand). Cytogenetic location: 3p22.2.
Variant type: single nucleotide variant.
Coding change: c.2923C>T on transcript NM_006514.4 (MANE Select); coding-DNA position 2923, C replaced by T.
Protein change: p.Gln975Ter; replaces glutamine 975 with a stop codon.
Molecular consequence: nonsense.
Genome position (GRCh38, 1-based): chr3:38,726,770, G>A on the plus strand (C>T on the coding strand, the complement: SCN10A is on the minus strand). VCF-style: chr3-38726770-G-A. GRCh37 (hg19) VCF-style: chr3-38768261-G-A.
Other names: c.2923C>T (NM_006514.2); c.2923C>T, p.Gln975Ter (NM_001293306.2); c.2629C>T, p.Gln877Ter (NM_001293307.2); short protein forms Q975*, Q877*.
Identifiers: ClinVar variation 1384809 (VCV001384809.6), dbSNP rs755553717, ClinGen allele CA2320401.